The following is an entry in ClinVar:

ClinVar aggregate classification (germline): Uncertain significance (1 of 4 stars; one submission).

gnomAD v4.1: 26 of 1,612,962 alleles (0.0016%); highest among the groups gnomAD compares: South Asian, 0.026%; 1 homozygote.

Submission:

Labcorp Genetics (formerly Invitae), Labcorp
Classification: Uncertain significance. Last evaluated: 2025-02-15. Review status: criteria provided, single submitter. Criteria: Invitae Variant Classification Sherloc (09022015). Collection method: clinical testing. Allele origin: germline.
Comment: This sequence change replaces glutamic acid, which is acidic and polar, with aspartic acid, which is acidic and polar, at codon 284 of the TOPORS protein (p.Glu284Asp). This variant is present in population databases (rs752133665, gnomAD 0.03%), including at least one homozygous and/or hemizygous individual. This variant has not been reported in the literature in individuals affected with TOPORS-related conditions. An algorithm developed to predict the effect of missense changes on protein structure and function (PolyPhen-2) suggests that this variant is likely to be disruptive. In summary, the available evidence is currently insufficient to determine the role of this variant in disease. Therefore, it has been classified as a Variant of Uncertain Significance.

NM_005802.5(TOPORS):c.852A>T (p.Glu284Asp)

Gene: TOPORS (TOP1 binding arginine/serine rich protein, E3 ubiquitin ligase; minus strand). Cytogenetic location: 9p21.1.
Variant type: single nucleotide variant.
Coding change: c.852A>T on transcript NM_005802.5 (MANE Select); coding-DNA position 852, A replaced by T.
Protein change: p.Glu284Asp; replaces glutamic acid 284 with aspartic acid.
Molecular consequence: missense variant.
Genome position (GRCh38, 1-based): chr9:32,543,673, T>A on the plus strand (A>T on the coding strand, the complement: TOPORS is on the minus strand). VCF-style: chr9-32543673-T-A. GRCh37 (hg19) VCF-style: chr9-32543671-T-A.
Other names: c.657A>T, p.Glu219Asp (NM_001195622.2); short protein forms E284D, E219D.
Identifiers: ClinVar variation 4705544 (VCV004705544.1).
Genomic context (GRCh38, chr9:32,543,673, plus strand): 5'-AAGTTCACGTTTTAACCAGGGGACTAATCTGTGAAGGCAAGCTGGATTTCTACGGAAAAA[T>A]TCAGCTGAAATATCCCTGTAGCGGCCACCATCTTCAATATTTCTAACTCGAGCACCAGCA-3'
Protein context (NP_005793.2, residues 274-294): DGGRYRDISA[Glu284Asp]FFRRNPACLH